The following is an entry in ClinVar:

ClinVar aggregate classification (germline): Pathogenic/Likely pathogenic. Review status: criteria provided, multiple submitters, no conflicts (2 of 4 stars). 2 submissions from 2 submitters: Pathogenic (1); Likely pathogenic (1). Last evaluated 2023-09-05.

Conditions:
Merosin deficient congenital muscular dystrophy (MDC1A). Also called: Congenital Muscular Dystrophy Type 1A (MDC1A); Congenital merosin-deficient muscular dystrophy 1A. Identifiers: Orphanet 258, MedGen C1263858, MONDO:0011925, OMIM 607855.
LAMA2-related muscular dystrophy (LAMA2-RD). Also called: Laminin alpha 2-related dystrophy. Identifiers: MedGen C5679788, MONDO:0100228.

Allele frequency attached by ClinVar (database versions not stated): gnomAD exomes below 0.00001.
gnomAD v4.1: 1 of 1,614,126 alleles (0.000062%); highest among the groups gnomAD compares: Non-Finnish European, 0.000085%; no homozygotes.

Submissions (2):

Labcorp Genetics (formerly Invitae), Labcorp
Classification: Pathogenic for LAMA2-related muscular dystrophy. Last evaluated: 2023-09-05. Review status: criteria provided, single submitter. Criteria: Invitae Variant Classification Sherloc (09022015). Collection method: clinical testing. Allele origin: germline.
Comment: ClinVar contains an entry for this variant (Variation ID: 1456709). For these reasons, this variant has been classified as Pathogenic. This variant is not present in population databases (gnomAD no frequency). This variant has not been reported in the literature in individuals affected with LAMA2-related conditions. This sequence change creates a premature translational stop signal (p.Gln1078*) in the LAMA2 gene. It is expected to result in an absent or disrupted protein product. Loss-of-function variants in LAMA2 are known to be pathogenic (PMID: 18700894, 32904964).

Baylor Genetics
Classification: Likely pathogenic for Merosin deficient congenital muscular dystrophy. Last evaluated: 2022-08-02. Review status: criteria provided, single submitter. Criteria: ACMG Guidelines, 2015. Collection method: clinical testing. Allele origin: unknown.

Literature cited by the submitters: PubMed 18700894 (cited by Labcorp Genetics (formerly Invitae), Labcorp); PubMed 32904964 (cited by Labcorp Genetics (formerly Invitae), Labcorp).

NM_000426.4(LAMA2):c.3232C>T (p.Gln1078Ter)

Gene: LAMA2 (laminin subunit alpha 2; plus strand). Cytogenetic location: 6q22.33.
Variant type: single nucleotide variant.
Coding change: c.3232C>T on transcript NM_000426.4 (MANE Select); coding-DNA position 3232, C replaced by T.
Protein change: p.Gln1078Ter; replaces glutamine 1078 with a stop codon.
Molecular consequence: nonsense.
Genome position (GRCh38, 1-based): chr6:129,312,918, C>T. VCF-style: chr6-129312918-C-T. GRCh37 (hg19) VCF-style: chr6-129634063-C-T.
Other names: c.3232C>T, p.Gln1078Ter (NM_001079823.2); short protein forms Q1078*.
Identifiers: ClinVar variation 1456709 (VCV001456709.7), dbSNP rs2114493974, ClinGen allele CA365611754.